The following is an entry in ClinVar:

NM_198129.4(LAMA3):c.8898C>T (p.Ser2966=)

Gene: LAMA3 (laminin subunit alpha 3; plus strand). Cytogenetic location: 18q11.2.
Variant type: single nucleotide variant.
Coding change: c.8898C>T on transcript NM_198129.4 (MANE Select); coding-DNA position 8898, C replaced by T.
Protein change: p.Ser2966=; no amino-acid change (serine 2966 retained).
Molecular consequence: synonymous variant.
Genome position (GRCh38, 1-based): chr18:23,939,258, C>T. VCF-style: chr18-23939258-C-T. GRCh37 (hg19) VCF-style: chr18-21519222-C-T.
Other names: c.4071C>T, p.Ser1357= (NM_000227.6); c.8730C>T, p.Ser2910= (NM_001127717.4); c.3903C>T, p.Ser1301= (NM_001127718.4).
Identifiers: ClinVar variation 326341 (VCV000326341.15), dbSNP rs141164795, ClinGen allele CA8917032.

ClinVar aggregate classification (germline): Benign. Review status: criteria provided, multiple submitters, no conflicts (2 of 4 stars). 3 submissions from 2 submitters: Benign (3). Last evaluated 2026-01-26.

Conditions:
Junctional epidermolysis bullosa gravis of Herlitz. Also called: EPIDERMOLYSIS BULLOSA JUNCTIONALIS, HERLITZ TYPE; EPIDERMOLYSIS BULLOSA, JUNCTIONAL, HERLITZ-PEARSON TYPE; JEB-HERLITZ TYPE; Epidermolysis Bullosa Letalis; Herlitz-type junctional epidermolysis bullosa; EPIDERMOLYSIS BULLOSA, JUNCTIONAL 1B, SEVERE. Identifiers: Orphanet 79404, MedGen C0079683, MONDO:0009182, OMIM 226700.
Laryngo-onycho-cutaneous syndrome (JEB2C). Also called: LOGIC SYNDROME; EPIDERMOLYSIS BULLOSA, JUNCTIONAL 2C, LARYNGOONYCHOCUTANEOUS; SHABBIR SYNDROME. Identifiers: Orphanet 2407, MedGen C1328355, MONDO:0009513, OMIM 245660.

Allele frequency attached by ClinVar (database versions not stated): ESP Exome Variant Server 0.00015; gnomAD exomes 0.00101; gnomAD 0.00121 and 0.00155; TOPMed 0.00240; 1000 Genomes Project 0.00499; 1000 Genomes Project 30x 0.00547.
gnomAD v4.1: 1,716 of 1,614,168 alleles (0.11%); highest among the groups gnomAD compares: East Asian, 2.5%; 18 homozygotes.

Submissions (3):

Labcorp Genetics (formerly Invitae), Labcorp
Classification: Benign. Last evaluated: 2026-01-26. Review status: criteria provided, single submitter. Criteria: Invitae Variant Classification Sherloc (09022015). Collection method: clinical testing. Allele origin: germline.

Illumina Laboratory Services, Illumina
Classification: Benign for Laryngo-onycho-cutaneous syndrome. Last evaluated: 2018-01-12. Review status: criteria provided, single submitter. Criteria: ICSL Variant Classification Criteria 13 December 2019. Collection method: clinical testing. Allele origin: germline.
Comment: This variant was observed in the ICSL laboratory as part of a predisposition screen in an ostensibly healthy population. It had not been previously curated by ICSL or reported in the Human Gene Mutation Database (HGMD: prior to June 1st, 2018), and was therefore a candidate for classification through an automated scoring system. Utilizing variant allele frequency, disease prevalence and penetrance estimates, and inheritance mode, an automated score was calculated to assess if this variant is too frequent to cause the disease. Based on the score and internal cut-off values, a variant classified as benign is not then subjected to further curation. The score for this variant resulted in a classification of benign for this disease.

Illumina Laboratory Services, Illumina
Classification: Benign for Junctional epidermolysis bullosa gravis of Herlitz. Last evaluated: 2018-01-12. Review status: criteria provided, single submitter. Criteria: ICSL Variant Classification Criteria 13 December 2019. Collection method: clinical testing. Allele origin: germline.
Comment: the same text as in the submission from Illumina Laboratory Services, Illumina above.